The following is an entry in ClinVar:

ClinVar aggregate classification (germline): Pathogenic (1 of 4 stars; one submission).

Conditions:
Fanconi anemia (FA). Also called: Fanconi's anemia. Identifiers: Orphanet 84, MedGen C0015625, MeSH D005199, MONDO:0019391.

Submission:

Labcorp Genetics (formerly Invitae), Labcorp
Classification: Pathogenic for Fanconi anemia. Last evaluated: 2024-12-08. Review status: criteria provided, single submitter. Criteria: Invitae Variant Classification Sherloc (09022015). Collection method: clinical testing. Allele origin: germline.
Comment: This sequence change affects an acceptor splice site in intron 20 of the FANCA gene. It is expected to disrupt RNA splicing. Variants that disrupt the donor or acceptor splice site typically lead to a loss of protein function (PMID: 16199547), and loss-of-function variants in FANCA are known to be pathogenic (PMID: 19367192). This variant is not present in population databases (gnomAD no frequency). Disruption of this splice site has been observed in individuals with Fanconi anemia (PMID: 19367192, 29098742). Algorithms developed to predict the effect of sequence changes on RNA splicing suggest that this variant may disrupt the consensus splice site. For these reasons, this variant has been classified as Pathogenic.

Literature cited by the submitters: PubMed 16199547; PubMed 19367192; PubMed 29098742.

NM_000135.4(FANCA):c.1827-1G>T

Gene: FANCA (FA complementation group A; minus strand). Cytogenetic location: 16q24.3.
Variant type: single nucleotide variant.
Coding change: c.1827-1G>T on transcript NM_000135.4 (MANE Select); the canonical splice acceptor site of the intron before coding-DNA position 1827, G replaced by T.
Molecular consequence: splice acceptor variant.
Genome position (GRCh38, 1-based): chr16:89,775,816, C>A on the plus strand (G>T on the coding strand, the complement: FANCA is on the minus strand). VCF-style: chr16-89775816-C-A. GRCh37 (hg19) VCF-style: chr16-89842224-C-A.
Other names: c.1827-1G>T (NM_001286167.3).
Identifiers: ClinVar variation 3726885 (VCV003726885.2).
Genomic context (GRCh38, chr16:89,775,816, plus strand): 5'-TCAGCAGCAGAGCAGGCCTGGCAGTAGGTGGAGTACAGAGATGGGGGGATTTTATCTGCT[C>A]TGGATCACAGGAAAACAATACAATTAAGTCAGCTATGGCTTAAATTAATTCAAGATTACA-3'